The following is an entry in ClinVar:

NM_007194.4(CHEK2):c.1110G>A (p.Gly370=)

Gene: CHEK2 (checkpoint kinase 2; minus strand). Cytogenetic location: 22q12.1.
Variant type: single nucleotide variant.
Coding change: c.1110G>A on transcript NM_007194.4 (MANE Select); coding-DNA position 1110, G replaced by A.
Protein change: p.Gly370=; no amino-acid change (glycine 370 retained).
Molecular consequence: synonymous variant.
Genome position (GRCh38, 1-based): chr22:28,695,859, C>T on the plus strand (G>A on the coding strand, the complement: CHEK2 is on the minus strand). VCF-style: chr22-28695859-C-T. GRCh37 (hg19) VCF-style: chr22-29091847-C-T.
Other names: c.1239G>A, p.Gly413= (NM_001005735.3); c.447G>A, p.Gly149= (NM_001257387.3); c.909G>A, p.Gly303= (NM_001349956.3); c.1023G>A, p.Gly341= (NM_145862.3).
Identifiers: ClinVar variation 514274 (VCV000514274.12), dbSNP rs1555913920, ClinGen allele CA513944950.
Genomic context (GRCh38, chr22:28,695,859, plus strand): 5'-GTAGGTGGGGGTTCCACATAAGGTTCTCATGAGAGAGGTCTCTCCCAAAATCTTGGAGTG[C>T]CCAAAATCAGTAATCTAAAATTCAGTACAAAAGGGAATAATGTTGAACTTGCCATAAAAT-3'
Protein context (NP_009125.1, residues 360-380): EDCLIKITDF[Gly370=]HSKILGETSL

ClinVar aggregate classification (germline): Benign/Likely benign. Review status: criteria provided, multiple submitters, no conflicts (2 of 4 stars). 4 submissions from 4 submitters: Benign (1); Likely benign (3). Last evaluated 2026-01-14.

Conditions:
Hereditary cancer-predisposing syndrome. Also called: Tumor predisposition; Hereditary Cancer Syndrome; Neoplastic Syndromes, Hereditary; Hereditary neoplastic syndrome. Identifiers: Orphanet 140162, MedGen C0027672, MeSH D009386, MONDO:0015356.
Familial cancer of breast. Also called: Hereditary breast cancer; BREAST CANCER, FAMILIAL; hereditary breast carcinoma. Identifiers: Orphanet 227535, MedGen C0346153, MONDO:0016419, OMIM 114480. Disease mechanism: loss of function.

Submissions (4):

Ambry Genetics
Classification: Likely benign for Hereditary cancer-predisposing syndrome. Last evaluated: 2026-01-14. Review status: criteria provided, single submitter. Criteria: Ambry Variant Classification Scheme 2023. Collection method: clinical testing. Allele origin: germline.

Labcorp Genetics (formerly Invitae), Labcorp
Classification: Likely benign for Familial cancer of breast. Last evaluated: 2025-09-29. Review status: criteria provided, single submitter. Criteria: Invitae Variant Classification Sherloc (09022015). Collection method: clinical testing. Allele origin: germline.

Myriad Genetics, Inc.
Classification: Benign for Familial cancer of breast. Last evaluated: 2024-10-04. Review status: criteria provided, single submitter. Criteria: Myriad Autosomal Dominant, Autosomal Recessive and X-Linked Classification Criteria (2023). Collection method: clinical testing. Allele origin: unknown.
Comment: This variant is considered benign. This variant is a silent/synonymous amino acid change and it is not expected to impact splicing.

GeneDx
Classification: Likely benign. Last evaluated: 2017-12-18. Review status: criteria provided, single submitter. Criteria: GeneDx Variant Classification (06012015). Collection method: clinical testing. Allele origin: germline. Affected: yes.
Comment: This variant is considered likely benign or benign based on one or more of the following criteria: it is a conservative change, it occurs at a poorly conserved position in the protein, it is predicted to be benign by multiple in silico algorithms, and/or has population frequency not consistent with disease.